The following is an entry in ClinVar:

NM_001039591.3(USP9X):c.3985C>T (p.Arg1329Cys)

Gene: USP9X (ubiquitin specific peptidase 9 X-linked; plus strand). Cytogenetic location: Xp11.4.
Variant type: single nucleotide variant.
Coding change: c.3985C>T on transcript NM_001039591.3 (MANE Select); coding-DNA position 3985, C replaced by T.
Protein change: p.Arg1329Cys; replaces arginine 1329 with cysteine.
Molecular consequence: missense variant.
Genome position (GRCh38, 1-based): chrX:41,196,258, C>T. VCF-style: chrX-41196258-C-T. GRCh37 (hg19) VCF-style: chrX-41055511-C-T.
Other names: c.3985C>T, p.Arg1329Cys (NM_001039590.3); short protein forms R1329C.
Identifiers: ClinVar variation 1305813 (VCV001305813.2), dbSNP rs1460346795, ClinGen allele CA412771950.

ClinVar aggregate classification (germline): Uncertain significance (1 of 4 stars; one submission).

Allele frequency attached by ClinVar (database versions not stated): gnomAD exomes below 0.00001; gnomAD 0.00001; TOPMed 0.00001.
gnomAD v4.1: 4 of 1,209,082 alleles (0.00033%); highest among the groups gnomAD compares: Non-Finnish European, 0.00045%; no homozygotes.

Submission:

GeneDx
Classification: Uncertain significance. Last evaluated: 2019-05-30. Review status: criteria provided, single submitter. Criteria: GeneDx Variant Classification Process June 2021. Collection method: clinical testing. Allele origin: germline. Affected: yes.
Comment: Not observed in large population cohorts (Lek et al., 2016); In silico analysis, which includes protein predictors and evolutionary conservation, supports a deleterious effect; Has not been previously published as pathogenic or benign to our knowledge